The following is an entry in ClinVar:

NM_015063.3(SLC8A2):c.1461G>C (p.Val487=)

Gene: SLC8A2 (solute carrier family 8 member A2; minus strand). Cytogenetic location: 19q13.32.
Variant type: single nucleotide variant.
Coding change: c.1461G>C on transcript NM_015063.3 (MANE Select); coding-DNA position 1461, G replaced by C.
Protein change: p.Val487=; no amino-acid change (valine 487 retained).
Molecular consequence: synonymous variant.
Genome position (GRCh38, 1-based): chr19:47,448,111, C>G on the plus strand (G>C on the coding strand, the complement: SLC8A2 is on the minus strand). VCF-style: chr19-47448111-C-G. GRCh37 (hg19) VCF-style: chr19-47951368-C-G.
Identifiers: ClinVar variation 2650152 (VCV002650152.24), dbSNP rs1455514186, ClinGen allele CA507985487.
Genomic context (GRCh38, chr19:47,448,111, plus strand): 5'-CACCAGCCGCCCCTTGGGCCGCCCGCCGCCGTCCGGCTCGAACATGCCCTGCGCGTCGCC[C>G]ACGCGCAGGTTCAGCAGCCGCACGAAGAAATGCTCGTCCTCCTCGAAGATGTCGTCGTCG-3'
Protein context (NP_055878.1, residues 477-497): HFFVRLLNLR[Val487=]GDAQGMFEPD

ClinVar aggregate classification (germline): Likely benign (1 of 4 stars; one submission).

gnomAD v4.1: 3 of 1,611,058 alleles (0.00019%); highest among the groups gnomAD compares: South Asian, 0.0011%; no homozygotes.

Submission:

CeGaT Center for Human Genetics Tuebingen
Classification: Likely benign. Last evaluated: 2023-10-01. Review status: criteria provided, single submitter. Criteria: CeGaT Center For Human Genetics Tuebingen Variant Classification Criteria Version 2. Collection method: clinical testing. Allele origin: germline. Affected: yes. Observed: 1 variant allele.
Comment: SLC8A2: PM2:Supporting, BP4, BP7